The following is an entry in ClinVar:

ClinVar aggregate classification (germline): Uncertain significance (1 of 4 stars; one submission).

Conditions:
Deficiency of adenosine deaminase 2. Also called: Polyarteritis nodosa, childhoood-onset; Adenosine Deaminase 2 Deficiency; VASCULITIS, AUTOINFLAMMATION, IMMUNODEFICIENCY, AND HEMATOLOGIC DEFECTS SYNDROME. Identifiers: Orphanet 404553, MedGen C3887654, MONDO:0014306, OMIM 615688, MONDO:0100317.

gnomAD v4.1: 3 of 1,614,144 alleles (0.00019%); highest among the groups gnomAD compares: Non-Finnish European, 0.00025%; no homozygotes.

Submission:

Labcorp Genetics (formerly Invitae), Labcorp
Classification: Uncertain significance for Deficiency of adenosine deaminase 2. Last evaluated: 2025-10-27. Review status: criteria provided, single submitter. Criteria: Invitae Variant Classification Sherloc (09022015). Collection method: clinical testing. Allele origin: germline.
Comment: This sequence change replaces lysine, which is basic and polar, with arginine, which is basic and polar, at codon 72 of the ADA2 protein (p.Lys72Arg). This variant is present in population databases (rs746085206, gnomAD 0.0009%). This variant has not been reported in the literature in individuals affected with ADA2-related conditions. Invitae Evidence Modeling of protein sequence and biophysical properties (such as structural, functional, and spatial information, amino acid conservation, physicochemical variation, residue mobility, and thermodynamic stability) indicates that this missense variant is not expected to disrupt ADA2 protein function with a negative predictive value of 80%. In summary, the available evidence is currently insufficient to determine the role of this variant in disease. Therefore, it has been classified as a Variant of Uncertain Significance.

NM_001282225.2(ADA2):c.215A>G (p.Lys72Arg)

Gene: ADA2 (adenosine deaminase 2; minus strand). Cytogenetic location: 22q11.1.
Variant type: single nucleotide variant.
Coding change: c.215A>G on transcript NM_001282225.2 (MANE Select); coding-DNA position 215, A replaced by G.
Protein change: p.Lys72Arg; replaces lysine 72 with arginine.
Molecular consequence: missense variant. On other transcripts: intron variant (1).
Genome position (GRCh38, 1-based): chr22:17,209,463, T>C on the plus strand (A>G on the coding strand, the complement: ADA2 is on the minus strand). VCF-style: chr22-17209463-T-C. GRCh37 (hg19) VCF-style: chr22-17690353-T-C.
Other names: c.-38-2173A>G (NM_001282229.2); c.215A>G, p.Lys72Arg (NM_001282226.2); c.89A>G, p.Lys30Arg (NM_001282227.2, NM_001282228.2); short protein forms K72R, K30R.
Identifiers: ClinVar variation 4750389 (VCV004750389.1).